The following is an entry in ClinVar:

NM_015015.3(KDM4B):c.3243C>A (p.Phe1081Leu)

Gene: KDM4B (lysine demethylase 4B; plus strand). Cytogenetic location: 19p13.3.
Variant type: single nucleotide variant.
Coding change: c.3243C>A on transcript NM_015015.3 (MANE Select); coding-DNA position 3243, C replaced by A.
Protein change: p.Phe1081Leu; replaces phenylalanine 1081 with leucine.
Molecular consequence: missense variant.
Genome position (GRCh38, 1-based): chr19:5,151,463, C>A. VCF-style: chr19-5151463-C-A. GRCh37 (hg19) VCF-style: chr19-5151474-C-A.
Other names: c.3345C>A, p.Phe1115Leu (NM_001411148.1); short protein forms F1081L, F1115L.
Identifiers: ClinVar variation 2003701 (VCV002003701.4), dbSNP rs756290036, ClinGen allele CA403512096.

ClinVar aggregate classification (germline): Uncertain significance (1 of 4 stars; one submission).

Submission:

Labcorp Genetics (formerly Invitae), Labcorp
Classification: Uncertain significance. Last evaluated: 2022-06-09. Review status: criteria provided, single submitter. Criteria: Invitae Variant Classification Sherloc (09022015). Collection method: clinical testing. Allele origin: germline.
Comment: In summary, the available evidence is currently insufficient to determine the role of this variant in disease. Therefore, it has been classified as a Variant of Uncertain Significance. Algorithms developed to predict the effect of missense changes on protein structure and function are either unavailable or do not agree on the potential impact of this missense change (SIFT: "Deleterious"; PolyPhen-2: "Possibly Damaging"; Align-GVGD: "Class C0"). This variant has not been reported in the literature in individuals affected with KDM4B-related conditions. This variant is not present in population databases (gnomAD no frequency). This sequence change replaces phenylalanine, which is neutral and non-polar, with leucine, which is neutral and non-polar, at codon 1081 of the KDM4B protein (p.Phe1081Leu).